The following is an entry in ClinVar:

ClinVar aggregate classification (germline): Uncertain significance (1 of 4 stars; one submission).

Allele frequency attached by ClinVar (database versions not stated): gnomAD exomes below 0.00001; TOPMed below 0.00001.
gnomAD v4.1: 1 of 1,613,904 alleles (0.000062%); highest among the groups gnomAD compares: African/African-American, 0.0013%; no homozygotes.

Submission:

Labcorp Genetics (formerly Invitae), Labcorp
Classification: Uncertain significance. Last evaluated: 2022-03-14. Review status: criteria provided, single submitter. Criteria: Invitae Variant Classification Sherloc (09022015). Collection method: clinical testing. Allele origin: germline.
Comment: In summary, the available evidence is currently insufficient to determine the role of this variant in disease. Therefore, it has been classified as a Variant of Uncertain Significance. Algorithms developed to predict the effect of missense changes on protein structure and function output the following: SIFT: "Deleterious"; PolyPhen-2: "Benign"; Align-GVGD: "Class C25". The arginine amino acid residue is found in multiple mammalian species, which suggests that this missense change does not adversely affect protein function. This variant has not been reported in the literature in individuals affected with MPDZ-related conditions. This variant is not present in population databases (gnomAD no frequency). This sequence change replaces lysine, which is basic and polar, with arginine, which is basic and polar, at codon 1716 of the MPDZ protein (p.Lys1716Arg).

NM_001378778.1(MPDZ):c.5147A>G (p.Lys1716Arg)

Gene: MPDZ (multiple PDZ domain crumbs cell polarity complex component; minus strand). Cytogenetic location: 9p23.
Variant type: single nucleotide variant.
Coding change: c.5147A>G on transcript NM_001378778.1 (MANE Select); coding-DNA position 5147, A replaced by G.
Protein change: p.Lys1716Arg; replaces lysine 1716 with arginine.
Molecular consequence: missense variant.
Genome position (GRCh38, 1-based): chr9:13,121,823, T>C on the plus strand (A>G on the coding strand, the complement: MPDZ is on the minus strand). VCF-style: chr9-13121823-T-C. GRCh37 (hg19) VCF-style: chr9-13121822-T-C.
Other names: c.5048A>G, p.Lys1683Arg (NM_001261406.2, NM_001261407.2, NM_001375416.1 and 3 more transcripts); c.5147A>G, p.Lys1716Arg (NM_001330637.2, NM_003829.5); c.5246A>G, p.Lys1749Arg (NM_001375413.1); c.4937A>G, p.Lys1646Arg (NM_001375420.1, NM_001375421.1, NM_001375422.1 and 4 more transcripts); c.4739A>G, p.Lys1580Arg (NM_001375427.1); short protein forms K1646R, K1683R, K1580R, K1716R, K1749R.
Identifiers: ClinVar variation 2112107 (VCV002112107.4), dbSNP rs1391115874, ClinGen allele CA372944277.